The following is an entry in ClinVar:

ClinVar aggregate classification (germline): Uncertain significance (1 of 4 stars; one submission).

Conditions:
Hajdu-Cheney syndrome (HJCYS). Also called: Acroosteolysis dominant type; SERPENTINE FIBULA-POLYCYSTIC KIDNEY SYNDROME; ACROOSTEOLYSIS WITH OSTEOPOROSIS AND CHANGES IN SKULL AND MANDIBLE. Identifiers: Orphanet 955, MedGen C0917715, MONDO:0007057, OMIM 102500.

Allele frequency attached by ClinVar (database versions not stated): gnomAD exomes below 0.00001.
gnomAD v4.1: 1 of 1,612,962 alleles (0.000062%); highest among the groups gnomAD compares: East Asian, 0.0022%; no homozygotes.

Submission:

Labcorp Genetics (formerly Invitae), Labcorp
Classification: Uncertain significance for Hajdu-Cheney syndrome. Last evaluated: 2022-08-17. Review status: criteria provided, single submitter. Criteria: Invitae Variant Classification Sherloc (09022015). Collection method: clinical testing. Allele origin: germline.
Comment: This sequence change replaces glutamine, which is neutral and polar, with arginine, which is basic and polar, at codon 557 of the NOTCH2 protein (p.Gln557Arg). This variant is not present in population databases (gnomAD no frequency). This variant has not been reported in the literature in individuals affected with NOTCH2-related conditions. Advanced modeling of protein sequence and biophysical properties (such as structural, functional, and spatial information, amino acid conservation, physicochemical variation, residue mobility, and thermodynamic stability) performed at Invitae indicates that this missense variant is not expected to disrupt NOTCH2 protein function. In summary, the available evidence is currently insufficient to determine the role of this variant in disease. Therefore, it has been classified as a Variant of Uncertain Significance.

NM_024408.4(NOTCH2):c.1670A>G (p.Gln557Arg)

Gene: NOTCH2 (notch receptor 2; minus strand). Cytogenetic location: 1p12.
Variant type: single nucleotide variant.
Coding change: c.1670A>G on transcript NM_024408.4 (MANE Select); coding-DNA position 1670, A replaced by G.
Protein change: p.Gln557Arg; replaces glutamine 557 with arginine.
Molecular consequence: missense variant.
Genome position (GRCh38, 1-based): chr1:119,965,464, T>C on the plus strand (A>G on the coding strand, the complement: NOTCH2 is on the minus strand). VCF-style: chr1-119965464-T-C. GRCh37 (hg19) VCF-style: chr1-120508087-T-C.
Other names: c.1670A>G, p.Gln557Arg (NM_001200001.2); short protein forms Q557R.
Identifiers: ClinVar variation 2010544 (VCV002010544.4), dbSNP rs2526296211, ClinGen allele CA341874925.